The following is an entry in ClinVar:

NM_001853.4(COL9A3):c.1576A>G (p.Arg526Gly)

Genes: COL9A3 (collagen type IX alpha 3 chain; plus strand), LOC126863084 (MED14-independent group 3 enhancer GRCh37_chr20:61467141-61468340; plus strand). Cytogenetic location: 20q13.33.
Variant type: single nucleotide variant.
Coding change: c.1576A>G on transcript NM_001853.4 (MANE Select); coding-DNA position 1576, A replaced by G.
Protein change: p.Arg526Gly; replaces arginine 526 with glycine.
Molecular consequence: missense variant.
Genome position (GRCh38, 1-based): chr20:62,836,505, A>G. VCF-style: chr20-62836505-A-G. GRCh37 (hg19) VCF-style: chr20-61467857-A-G.
Other names: short protein forms R526G.
Identifiers: ClinVar variation 4705857 (VCV004705857.1).
Genomic context (GRCh38, chr20:62,836,505, plus strand): 5'-CCCATGCTGACGAATGTGTGGGGTGAATTCCAGGGGAAGGAGGCCAGCGAGCAGCGCATC[A>G]GGGAGCTGTGTGGGGGGATGATCAGCGGTAAGTCAGCCACGTGCACCGGCTGCAGCGGGG-3'
Protein context (NP_001844.3, residues 516-536): PGKEASEQRI[Arg526Gly]ELCGGMISEQ

ClinVar aggregate classification (germline): Uncertain significance (1 of 4 stars; one submission).

Submission:

Labcorp Genetics (formerly Invitae), Labcorp
Classification: Uncertain significance. Last evaluated: 2025-12-21. Review status: criteria provided, single submitter. Criteria: Invitae Variant Classification Sherloc (09022015). Collection method: clinical testing. Allele origin: germline.
Comment: This sequence change replaces arginine, which is basic and polar, with glycine, which is neutral and non-polar, at codon 526 of the COL9A3 protein (p.Arg526Gly). This variant is not present in population databases (gnomAD no frequency). This variant has not been reported in the literature in individuals affected with COL9A3-related conditions. Invitae Evidence Modeling of protein sequence and biophysical properties (such as structural, functional, and spatial information, amino acid conservation, physicochemical variation, residue mobility, and thermodynamic stability) indicates that this missense variant is not expected to disrupt COL9A3 protein function with a negative predictive value of 95%. In summary, the available evidence is currently insufficient to determine the role of this variant in disease. Therefore, it has been classified as a Variant of Uncertain Significance.